The following is an entry in ClinVar:

NM_004055.5(CAPN5):c.1673C>T (p.Ser558Phe)

Gene: CAPN5 (calpain 5; plus strand). Cytogenetic location: 11q13.5.
Variant type: single nucleotide variant.
Coding change: c.1673C>T on transcript NM_004055.5 (MANE Select); coding-DNA position 1673, C replaced by T.
Protein change: p.Ser558Phe; replaces serine 558 with phenylalanine.
Molecular consequence: missense variant.
Genome position (GRCh38, 1-based): chr11:77,122,645, C>T. VCF-style: chr11-77122645-C-T. GRCh37 (hg19) VCF-style: chr11-76833691-C-T.
Other names: c.1673C>T (NM_004055.4); short protein forms S558F.
Identifiers: ClinVar variation 1054662 (VCV001054662.10), dbSNP rs782596996, ClinGen allele CA6196874.

ClinVar aggregate classification (germline): Uncertain significance. Review status: criteria provided, multiple submitters, no conflicts (2 of 4 stars). 2 submissions from 2 submitters: Uncertain significance (2). Last evaluated 2025-07-30.

Conditions:
Inborn genetic diseases. Identifiers: MedGen C0950123, MeSH D030342.

Allele frequency attached by ClinVar (database versions not stated): gnomAD exomes below 0.00001 and 0.00001; ExAC 0.00001; gnomAD 0.00001 and 0.00002; TOPMed 0.00006.
gnomAD v4.1: 7 of 1,613,708 alleles (0.00043%); highest among the groups gnomAD compares: African/African-American, 0.0067%; no homozygotes.

Submissions (2):

Labcorp Genetics (formerly Invitae), Labcorp
Classification: Uncertain significance. Last evaluated: 2025-07-30. Review status: criteria provided, single submitter. Criteria: Invitae Variant Classification Sherloc (09022015). Collection method: clinical testing. Allele origin: germline.
Comment: This sequence change replaces serine, which is neutral and polar, with phenylalanine, which is neutral and non-polar, at codon 558 of the CAPN5 protein (p.Ser558Phe). This variant is present in population databases (rs782596996, gnomAD 0.01%). This variant has not been reported in the literature in individuals affected with CAPN5-related conditions. ClinVar contains an entry for this variant (Variation ID: 1054662). An algorithm developed to predict the effect of missense changes on protein structure and function (PolyPhen-2) suggests that this variant is likely to be tolerated. In summary, the available evidence is currently insufficient to determine the role of this variant in disease. Therefore, it has been classified as a Variant of Uncertain Significance.

Ambry Genetics
Classification: Uncertain significance for Inborn genetic diseases. Last evaluated: 2025-03-05. Review status: criteria provided, single submitter. Criteria: Ambry Variant Classification Scheme 2023. Collection method: clinical testing. Allele origin: germline.